The following is an entry in ClinVar:

NM_000256.3(MYBPC3):c.3628C>T (p.Pro1210Ser)

Gene: MYBPC3 (myosin binding protein C3; minus strand). Cytogenetic location: 11p11.2.
Variant type: single nucleotide variant.
Coding change: c.3628C>T on transcript NM_000256.3 (MANE Select); coding-DNA position 3628, C replaced by T.
Protein change: p.Pro1210Ser; replaces proline 1210 with serine.
Molecular consequence: missense variant.
Genome position (GRCh38, 1-based): chr11:47,332,258, G>A on the plus strand (C>T on the coding strand, the complement: MYBPC3 is on the minus strand). VCF-style: chr11-47332258-G-A. GRCh37 (hg19) VCF-style: chr11-47353809-G-A.
Other names: short protein forms P1210S.
Identifiers: ClinVar variation 1040603 (VCV001040603.11), dbSNP rs1293774054, ClinGen allele CA380312041.

ClinVar aggregate classification (germline): Uncertain significance. Review status: criteria provided, multiple submitters, no conflicts (2 of 4 stars). 3 submissions from 3 submitters: Uncertain significance (3). Last evaluated 2025-04-13.

Conditions:
Hypertrophic cardiomyopathy. Also called: HYPERTROPHIC MYOCARDIOPATHY. Identifiers: Orphanet 217569, MedGen C0007194, MeSH D002312, MONDO:0005045, HP:0001639.
Cardiovascular phenotype. Identifiers: MedGen CN230736.

gnomAD v4.1: 1 of 1,613,626 alleles (0.000062%); highest among the groups gnomAD compares: African/African-American, 0.0013%; no homozygotes.

Submissions (3):

Labcorp Genetics (formerly Invitae), Labcorp
Classification: Uncertain significance for Hypertrophic cardiomyopathy. Last evaluated: 2025-04-13. Review status: criteria provided, single submitter. Criteria: Invitae Variant Classification Sherloc (09022015). Collection method: clinical testing. Allele origin: germline.
Comment: This sequence change replaces proline, which is neutral and non-polar, with serine, which is neutral and polar, at codon 1210 of the MYBPC3 protein (p.Pro1210Ser). This variant is present in population databases (no rsID available, gnomAD 0.01%). This missense change has been observed in individual(s) with hypertrophic cardiomyopathy (PMID: 37652022). ClinVar contains an entry for this variant (Variation ID: 1040603). An algorithm developed to predict the effect of missense changes on protein structure and function (PolyPhen-2) suggests that this variant is likely to be disruptive. In summary, the available evidence is currently insufficient to determine the role of this variant in disease. Therefore, it has been classified as a Variant of Uncertain Significance.

AiLife Diagnostics
Classification: Uncertain significance. Last evaluated: 2022-02-23. Review status: criteria provided, single submitter. Criteria: ACMG Guidelines, 2015. Collection method: clinical testing. Allele origin: germline. Affected: yes. Observed: 1 variant allele.

Ambry Genetics
Classification: Uncertain significance for Cardiovascular phenotype. Last evaluated: 2020-02-28. Review status: criteria provided, single submitter. Criteria: Ambry Variant Classification Scheme 2023. Collection method: clinical testing. Allele origin: germline.
Comment: The p.P1210S variant (also known as c.3628C>T) is located in coding exon 33 of the MYBPC3 gene. The proline at codon 1210 is replaced by serine, an amino acid with similar properties. This change occurs in the first base pair of coding exon 33. This amino acid position is highly conserved in available vertebrate species. In addition, this alteration is predicted to be deleterious by in silico analysis. Since supporting evidence is limited at this time, the clinical significance of this alteration remains unclear.

Literature cited by the submitters: PubMed 37652022 (cited by Labcorp Genetics (formerly Invitae), Labcorp).